The following is an entry in ClinVar:

ClinVar aggregate classification (germline): Uncertain significance (1 of 4 stars; one submission).

Conditions:
Cortical dysplasia-focal epilepsy syndrome (PTHSL1). Also called: Pitt-Hopkins-like syndrome 1. Identifiers: Orphanet 163681, Orphanet 221150, MedGen C2750246, MONDO:0012400, OMIM 610042.

gnomAD v4.1: 2 of 1,613,446 alleles (0.00012%); highest among the groups gnomAD compares: Non-Finnish European, 0.00017%; no homozygotes.

Submission:

Labcorp Genetics (formerly Invitae), Labcorp
Classification: Uncertain significance for Cortical dysplasia-focal epilepsy syndrome. Last evaluated: 2022-08-13. Review status: criteria provided, single submitter. Criteria: Invitae Variant Classification Sherloc (09022015). Collection method: clinical testing. Allele origin: germline.
Comment: In summary, the available evidence is currently insufficient to determine the role of this variant in disease. Therefore, it has been classified as a Variant of Uncertain Significance. Algorithms developed to predict the effect of missense changes on protein structure and function are either unavailable or do not agree on the potential impact of this missense change (SIFT: "Deleterious"; PolyPhen-2: "Probably Damaging"; Align-GVGD: "Class C0"). ClinVar contains an entry for this variant (Variation ID: 1497370). This variant has not been reported in the literature in individuals affected with CNTNAP2-related conditions. This variant is present in population databases (rs538043826, gnomAD 0.0009%). This sequence change replaces leucine, which is neutral and non-polar, with valine, which is neutral and non-polar, at codon 240 of the CNTNAP2 protein (p.Leu240Val).

NM_014141.6(CNTNAP2):c.718C>G (p.Leu240Val)

Gene: CNTNAP2 (contactin associated protein 2; plus strand). Cytogenetic location: 7q35.
Variant type: single nucleotide variant.
Coding change: c.718C>G on transcript NM_014141.6 (MANE Select); coding-DNA position 718, C replaced by G.
Protein change: p.Leu240Val; replaces leucine 240 with valine.
Molecular consequence: missense variant.
Genome position (GRCh38, 1-based): chr7:147,108,314, C>G. VCF-style: chr7-147108314-C-G. GRCh37 (hg19) VCF-style: chr7-146805406-C-G.
Other names: short protein forms L240V.
Identifiers: ClinVar variation 1497370 (VCV001497370.8), dbSNP rs538043826, ClinGen allele CA4545868.
Genomic context (GRCh38, chr7:147,108,314, plus strand): 5'-GAAAGTGAAGGAGTAATCCTGCACGGAGAAGGACAGCAAGGAGATTACATTACCTTGGAA[C>G]TGAAAAAAGCCAAGCTGGTCCTCAGTTTAAACTTAGGTGTGTTCTGACTGTCAGTTCTAT-3'
Protein context (NP_054860.1, residues 230-250): GQQGDYITLE[Leu240Val]KKAKLVLSLN